The following is an entry in ClinVar:

NM_001009944.3(PKD1):c.5028G>A (p.Leu1676=)

Gene: PKD1 (polycystin 1, transient receptor potential channel interacting; minus strand). Cytogenetic location: 16p13.3.
Variant type: single nucleotide variant.
Coding change: c.5028G>A on transcript NM_001009944.3 (MANE Select); coding-DNA position 5028, G replaced by A.
Protein change: p.Leu1676=; no amino-acid change (leucine 1676 retained).
Molecular consequence: synonymous variant.
Genome position (GRCh38, 1-based): chr16:2,110,139, C>T on the plus strand (G>A on the coding strand, the complement: PKD1 is on the minus strand). VCF-style: chr16-2110139-C-T. GRCh37 (hg19) VCF-style: chr16-2160140-C-T.
Other names: c.5028G>A, p.Leu1676= (NM_000296.4).
Identifiers: ClinVar variation 1050038 (VCV001050038.1), dbSNP rs2092461515, ClinGen allele CA493048217.

ClinVar aggregate classification (germline): Uncertain significance (0 of 4 stars; one submission).

Allele frequency attached by ClinVar (database versions not stated): gnomAD exomes below 0.00001.
gnomAD v4.1: 1 of 1,609,724 alleles (0.000062%); highest among the groups gnomAD compares: South Asian, 0.0011%; no homozygotes.

Submission:

Department of Pathology and Laboratory Medicine, Sinai Health System
Classification: Uncertain significance. Review status: no assertion criteria provided. Collection method: clinical testing. Allele origin: unknown. Affected: yes. Observed: 1 variant allele. Study: The Canadian Open Genetics Repository (COGR).
Comment: The PKD1 p.Leu1676= variant was not identified in the literature nor was it identified in the dbSNP, ClinVar, LOVD 3.0, ADPKD Mutation Database, PKD1-LOVD, databases. The variant was also identified in databases. The variant was not identified in the following control databases: the 1000 Genomes Project, the NHLBI GO Exome Sequencing Project, the Exome Aggregation Consortium (August 8th 2016), or the Genome Aggregation Database (Feb 27, 2017). The p.Leu1676= variant is not expected to have clinical significance because it does not result in a change of amino acid and is not located in a known consensus splice site. In summary, based on the above information the clinical significance of this variant cannot be determined with certainty at this time. This variant is classified as a variant of uncertain significance.